The following is an entry in ClinVar:

NC_000011.9:g.(?_5246486)_(5247105_?)del

Gene: HBB (hemoglobin subunit beta; minus strand). Cytogenetic location: 11p15.4.
Variant type: Deletion.
Identifiers: ClinVar variation 3244734 (VCV003244734.1).

ClinVar aggregate classification (germline): Pathogenic (1 of 4 stars; one submission).

Submission:

Labcorp Genetics (formerly Invitae), Labcorp
Classification: Pathogenic. Last evaluated: 2023-06-06. Review status: criteria provided, single submitter. Criteria: Invitae Variant Classification Sherloc (09022015). Collection method: clinical testing. Allele origin: unknown.
Comment: For these reasons, this variant has been classified as Pathogenic. ClinVar contains an entry for this variant (Variation ID: 862436). A similar copy number variant has been observed in individuals with beta thalassemia (PMID: 287080, 2064964, 2903765, 7162987, 27812264). It is commonly reported in individuals of Indian ancestry (PMID: 2064964, 2903765). This variant is a gross deletion of the genomic region encompassing a portion of intron 2 and the entire exon 3 of the HBB gene. The 5' boundary is confined to intron 2. The 3' end of this event extends through the termination codon and into the untranslated region of the HBB gene. While this deletion is not anticipated to lead to nonsense mediated decay, it is expected to alter mRNA translation or result in a truncated protein product.

Literature cited by the submitters: PubMed 287080; PubMed 2064964; PubMed 2903765; PubMed 7162987; PubMed 27812264.